The following is an entry in ClinVar:

ClinVar aggregate classification (germline): Pathogenic. Review status: criteria provided, single submitter (1 of 4 stars). 2 submissions from 1 submitter: Pathogenic (2). Last evaluated 2020-08-03.

Conditions:
Joubert syndrome 5 (JBTS5). Identifiers: Orphanet 2318, MedGen C1857780, MONDO:0012432, OMIM 610188.
Intellectual disability. Also called: intellectual disabilities; Intellectual developmental disorder; Intellectual functioning disability. Identifiers: MedGen C3714756, MeSH D008607, MONDO:0001071, HP:0001249.

gnomAD v4.1: 1 of 1,500,032 alleles (0.000067%); highest among the groups gnomAD compares: Non-Finnish European, 0.000089%; no homozygotes.

Submissions (2):

Institute of Human Genetics, University of Leipzig Medical Center
Classification: Pathogenic for Intellectual disability. Last evaluated: 2020-08-03. Review status: criteria provided, single submitter. Criteria: ACMG Guidelines, 2015. Collection method: clinical testing. Allele origin: maternal. Affected: yes.
Comment: The variant likely explains the NDD in this individual.

Institute of Human Genetics, University of Leipzig Medical Center
Classification: Pathogenic for Joubert syndrome 5. Last evaluated: 2019-01-01. Review status: criteria provided, single submitter. Criteria: ACMG Guidelines, 2015. Collection method: clinical testing. Allele origin: unknown. Affected: yes.
Comment: This variant was identified as compound heterozygous.

NM_025114.4(CEP290):c.6135+1G>A

Gene: CEP290 (centrosomal protein 290; minus strand). Cytogenetic location: 12q21.32.
Variant type: single nucleotide variant.
Coding change: c.6135+1G>A on transcript NM_025114.4 (MANE Select); the canonical splice donor site of the intron after coding-DNA position 6135, G replaced by A.
Molecular consequence: splice donor variant.
Genome position (GRCh38, 1-based): chr12:88,068,521, C>T on the plus strand (G>A on the coding strand, the complement: CEP290 is on the minus strand). VCF-style: chr12-88068521-C-T. GRCh37 (hg19) VCF-style: chr12-88462298-C-T.
Identifiers: ClinVar variation 977606 (VCV000977606.2), dbSNP rs2035114607, ClinGen allele CA385981830.